The following is an entry in ClinVar:

ClinVar aggregate classification (germline): Benign/Likely benign. Review status: criteria provided, multiple submitters, no conflicts (2 of 4 stars). 2 submissions from 2 submitters: Benign (1); Likely benign (1). Last evaluated 2024-08-06.

Conditions:
Juvenile polyposis syndrome (JPS). Identifiers: Orphanet 2929, MedGen C0345893, MONDO:0017380, OMIM 174900.

Allele frequency attached by ClinVar (database versions not stated): gnomAD exomes below 0.00001.
gnomAD v4.1: 1 of 1,613,232 alleles (0.000062%); highest among the groups gnomAD compares: South Asian, 0.0011%; no homozygotes.

Submissions (2):

Myriad Genetics, Inc.
Classification: Benign for Juvenile polyposis syndrome. Last evaluated: 2024-08-06. Review status: criteria provided, single submitter. Criteria: Myriad Autosomal Dominant, Autosomal Recessive and X-Linked Classification Criteria (2023). Collection method: clinical testing. Allele origin: unknown.
Comment: This variant is considered benign. This variant is a silent/synonymous amino acid change and it is not expected to impact splicing.

Labcorp Genetics (formerly Invitae), Labcorp
Classification: Likely benign for Juvenile polyposis syndrome. Last evaluated: 2022-05-28. Review status: criteria provided, single submitter. Criteria: Invitae Variant Classification Sherloc (09022015). Collection method: clinical testing. Allele origin: germline.

NM_004329.3(BMPR1A):c.1062A>G (p.Gly354=)

Gene: BMPR1A (bone morphogenetic protein receptor type 1A; plus strand). Cytogenetic location: 10q23.2.
Variant type: single nucleotide variant.
Coding change: c.1062A>G on transcript NM_004329.3 (MANE Select); coding-DNA position 1062, A replaced by G.
Protein change: p.Gly354=; no amino-acid change (glycine 354 retained).
Molecular consequence: synonymous variant. On other transcripts: non-coding transcript variant (3).
Genome position (GRCh38, 1-based): chr10:86,919,365, A>G. VCF-style: chr10-86919365-A-G. GRCh37 (hg19) VCF-style: chr10-88679122-A-G.
Other names: c.1137A>G, p.Gly379= (NM_001406559.1); c.1110A>G, p.Gly370= (NM_001406560.1); c.1062A>G, p.Gly354= (NM_001406561.1, NM_001406562.1, NM_001406563.1 and 19 more transcripts); c.1056A>G, p.Gly352= (NM_001406583.1); c.978A>G, p.Gly326= (NM_001406584.1, NM_001406585.1, NM_001406586.1 and 2 more transcripts); c.720A>G, p.Gly240= (NM_001406589.1).
Identifiers: ClinVar variation 2174117 (VCV002174117.5), dbSNP rs2539621694, ClinGen allele CA470373192.